The following is an entry in ClinVar:

ClinVar aggregate classification (germline): Pathogenic (1 of 4 stars; one submission).

Conditions:
Hereditary cancer-predisposing syndrome. Also called: Tumor predisposition; Hereditary Cancer Syndrome; Hereditary neoplastic syndrome; Neoplastic Syndromes, Hereditary. Identifiers: Orphanet 140162, MedGen C0027672, MeSH D009386, MONDO:0015356.

Submission:

Ambry Genetics
Classification: Pathogenic for Hereditary cancer-predisposing syndrome. Last evaluated: 2024-05-01. Review status: criteria provided, single submitter. Criteria: Ambry Variant Classification Scheme 2023. Collection method: clinical testing. Allele origin: germline.
Comment: The c.5021dupG pathogenic mutation, located in coding exon 15 of the APC gene, results from a duplication of G at nucleotide position 5021, causing a translational frameshift with a predicted alternate stop codon (p.V1675Sfs*2). This alteration occurs at the 3' terminus of theAPC gene, is not expected to trigger nonsense-mediated mRNA decay, and impacts the last 1169 amino acids of the protein. However, premature stop codons are typically deleterious in nature and a significant portion of the protein is affected and the impacted region is critical for protein function (Ambry internal data). This variant is considered to be rare based on population cohorts in the Genome Aggregation Database (gnomAD). Based on the supporting evidence, this variant is interpreted as a disease-causing mutation.

NM_000038.6(APC):c.5021dup (p.Val1675fs)

Gene: APC (APC regulator of Wnt signaling pathway; plus strand). Cytogenetic location: 5q22.2.
Variant type: Duplication.
Coding change: c.5021dup on transcript NM_000038.6 (MANE Select); coding-DNA position 5021, one base duplicated (G; older notation c.5021dupG).
Protein change: p.Val1675fs; shifts the reading frame from valine 1675.
Molecular consequence: frameshift variant. On other transcripts: non-coding transcript variant (2).
Genome position (GRCh38, 1-based): chr5:112,840,615, G duplicated; the last of 2 consecutive G bases (chr5:112,840,614-112,840,615); duplicating either gives the same sequence. VCF-style (leftmost placement, unchanged base first): chr5-112840613-A-AG. GRCh37 (hg19) VCF-style: chr5-112176310-A-AG.
Other names: c.5021dup, p.Val1675fs (NM_001127510.3, NM_001354895.2, NM_001407450.1); c.4967dup, p.Val1657fs (NM_001127511.3); c.5075dup, p.Val1693fs (NM_001354896.2, NM_001407447.1, NM_001407448.1 and 1 more transcripts); c.5051dup, p.Val1685fs (NM_001354897.2); c.4946dup, p.Val1650fs (NM_001354898.2); c.4937dup, p.Val1647fs (NM_001354899.2); c.4898dup, p.Val1634fs (NM_001354900.2); c.4844dup, p.Val1616fs (NM_001354901.2, NM_001407453.1); and 11 more; short protein forms V1549fs, V1592fs, V1616fs, V1634fs, V1650fs, V1668fs, V1392fs, V1546fs.
Identifiers: ClinVar variation 3304722 (VCV003304722.1).